The following is an entry in ClinVar:

ClinVar aggregate classification (germline): Likely benign (0 of 4 stars; one submission).

Conditions:
ETV3L-related disorder. Also called: ETV3L-related condition.

Allele frequency attached by ClinVar (database versions not stated): gnomAD exomes 0.00006; ExAC 0.00014; ESP Exome Variant Server 0.00023; gnomAD 0.00046; 1000 Genomes Project 0.00060; 1000 Genomes Project 30x 0.00062; TOPMed 0.00063.
gnomAD v4.1: 177 of 1,613,916 alleles (0.011%); highest among the groups gnomAD compares: African/African-American, 0.16%; no homozygotes.

Submission:

PreventionGenetics, part of Exact Sciences
Classification: Likely benign for ETV3L-related condition. Last evaluated: 2022-05-17. Review status: no assertion criteria provided. Collection method: clinical testing. Allele origin: germline.
Comment: This variant is classified as likely benign based on ACMG/AMP sequence variant interpretation guidelines (Richards et al. 2015 PMID: 25741868, with internal and published modifications).

NM_001004341.2(ETV3L):c.423C>G (p.His141Gln)

Gene: ETV3L (ETS variant transcription factor 3 like; minus strand). Cytogenetic location: 1q23.1.
Variant type: single nucleotide variant.
Coding change: c.423C>G on transcript NM_001004341.2 (MANE Select); coding-DNA position 423, C replaced by G.
Protein change: p.His141Gln; replaces histidine 141 with glutamine.
Molecular consequence: missense variant.
Genome position (GRCh38, 1-based): chr1:157,098,769, G>C on the plus strand (C>G on the coding strand, the complement: ETV3L is on the minus strand). VCF-style: chr1-157098769-G-C. GRCh37 (hg19) VCF-style: chr1-157068561-G-C.
Other names: short protein forms H141Q.
Identifiers: ClinVar variation 3039586 (VCV003039586.2), dbSNP rs201139806, ClinGen allele CA1173169.